The following is an entry in ClinVar:

ClinVar aggregate classification (germline): Benign/Likely benign. Review status: criteria provided, multiple submitters, no conflicts (2 of 4 stars). 2 submissions from 2 submitters: Benign (1); Likely benign (1). Last evaluated 2025-01-21.

Conditions:
Wolfram syndrome 1 (WFS1). Identifiers: Orphanet 3463, MedGen C4551693, MONDO:0009101, OMIM 222300.

Allele frequency attached by ClinVar (database versions not stated): gnomAD 0.00005 and 0.00007.
gnomAD v4.1: 17 of 1,613,900 alleles (0.0011%); highest among the groups gnomAD compares: African/African-American, 0.021%; no homozygotes.

Submissions (2):

Labcorp Genetics (formerly Invitae), Labcorp
Classification: Likely benign. Last evaluated: 2025-01-21. Review status: criteria provided, single submitter. Criteria: Invitae Variant Classification Sherloc (09022015). Collection method: clinical testing. Allele origin: germline.

Clinical Genomics, Uppaluri K&H Personalized Medicine Clinic
Classification: Benign for Wolfram syndrome 1. Review status: criteria provided, single submitter. Criteria: K & H Uppaluri Personalized Medicine Clinic Variant Classification & Assertion Criteria_Updated V.1. Collection method: research. Allele origin: unknown. Inheritance: Autosomal recessive inheritance.
Comment: Potent mutations in WFS1 gene are associated with Wolfram's syndrome, an autosomal recessive condition, which cause diabetes mellitus, diabetes insipidus, deafness and optic atrophy.However no sufficient evidence is found to ascertain the role of this particular variant rs749882923 in Wolfram's syndrome yet.

Literature cited by the submitters: PubMed 18060660 (cited by Clinical Genomics, Uppaluri K&H Personalized Medicine Clinic); PubMed 17603484 (cited by Clinical Genomics, Uppaluri K&H Personalized Medicine Clinic); PubMed 20301750 (cited by Clinical Genomics, Uppaluri K&H Personalized Medicine Clinic); PubMed 20738327 (cited by Clinical Genomics, Uppaluri K&H Personalized Medicine Clinic); PubMed 12955714 (cited by Clinical Genomics, Uppaluri K&H Personalized Medicine Clinic); PubMed 33879153 (cited by Clinical Genomics, Uppaluri K&H Personalized Medicine Clinic).

NM_006005.3(WFS1):c.1740G>T (p.Val580=)

Gene: WFS1 (wolframin ER transmembrane glycoprotein; plus strand). Cytogenetic location: 4p16.1.
Variant type: single nucleotide variant.
Coding change: c.1740G>T on transcript NM_006005.3 (MANE Select); coding-DNA position 1740, G replaced by T.
Protein change: p.Val580=; no amino-acid change (valine 580 retained).
Molecular consequence: synonymous variant.
Genome position (GRCh38, 1-based): chr4:6,301,535, G>T. VCF-style: chr4-6301535-G-T. GRCh37 (hg19) VCF-style: chr4-6303262-G-T.
Other names: c.1740G>T, p.Val580= (NM_001145853.1).
Identifiers: ClinVar variation 1594335 (VCV001594335.9), dbSNP rs749882923, ClinGen allele CA2839469.
Genomic context (GRCh38, chr4:6,301,535, plus strand): 5'-CATCGGCTACTTCCTCTTCCTCTTTGCCCTCCCCATCCTGGTGGCCGGCCTGGCCCTGGT[G>T]GGCGTGCTGCAGTTCGCCCGGTGGTTCACGTCTCTGGAGCTCACCAAGATCGCAGTCACC-3'
Protein context (NP_005996.2, residues 570-590): LPILVAGLAL[Val580=]GVLQFARWFT